The following is an entry in ClinVar:

NM_053025.4(MYLK):c.5214G>T (p.Lys1738Asn)

Genes: MYLK (myosin light chain kinase; minus strand), MYLK-AS1 (MYLK antisense RNA 1; plus strand). Cytogenetic location: 3q21.1.
Variant type: single nucleotide variant.
Coding change: c.5214G>T on transcript NM_053025.4 (MANE Select); coding-DNA position 5214, G replaced by T.
Protein change: p.Lys1738Asn; replaces lysine 1738 with asparagine.
Molecular consequence: missense variant.
Genome position (GRCh38, 1-based): chr3:123,626,842, C>A on the plus strand (G>T on the coding strand, the complement: MYLK is on the minus strand). VCF-style: chr3-123626842-C-A. GRCh37 (hg19) VCF-style: chr3-123345689-C-A.
Other names: c.4686G>T, p.Lys1562Asn (NM_001321309.2); c.4854G>T, p.Lys1618Asn (NM_053028.4); c.5007G>T, p.Lys1669Asn (NM_053026.4); c.5061G>T, p.Lys1687Asn (NM_053027.4); short protein forms K1738N, K1618N, K1669N, K1562N, K1687N.
Identifiers: ClinVar variation 3297613 (VCV003297613.1).
Genomic context (GRCh38, chr3:123,626,842, plus strand): 5'-GGGCAACATCCCAGTCCAAAGTGACCCTCTCATTACCTGCCATTTCCTTCTTGCCATGTA[C>A]TTCTTCATCCGGTCCTTGGAGAGTTTCTTGGCCTCCATGTTCTTGGTATCTTTCATTAGC-3'
Protein context (NP_444253.3, residues 1728-1748): AKKLSKDRMK[Lys1738Asn]YMARRKWQKT

ClinVar aggregate classification (germline): Uncertain significance (1 of 4 stars; one submission).

Conditions:
Familial thoracic aortic aneurysm and aortic dissection (TAAD). Also called: Thoracic aortic aneurysms and dissections. Identifiers: Orphanet 91387, MedGen C4707243, MONDO:0019625.

gnomAD v4.1: 1 of 1,614,226 alleles (0.000062%); highest among the groups gnomAD compares: Admixed American, 0.0017%; no homozygotes.

Submission:

Ambry Genetics
Classification: Uncertain significance for Familial thoracic aortic aneurysm and aortic dissection. Last evaluated: 2024-05-22. Review status: criteria provided, single submitter. Criteria: Ambry Variant Classification Scheme 2023. Collection method: clinical testing. Allele origin: germline.
Comment: The p.K1738N variant (also known as c.5214G>T), located in coding exon 28 of the MYLK gene, results from a G to T substitution at nucleotide position 5214. The lysine at codon 1738 is replaced by asparagine, an amino acid with similar properties. This amino acid position is conserved. In addition, this alteration is predicted to be tolerated by in silico analysis. Based on the available evidence, the clinical significance of this variant remains unclear.